The following is an entry in ClinVar:

ClinVar aggregate classification (germline): Pathogenic (1 of 4 stars; one submission).

Conditions:
Inborn genetic diseases. Identifiers: MedGen C0950123, MeSH D030342.

Submission:

Ambry Genetics
Classification: Pathogenic for Inborn genetic diseases. Last evaluated: 2025-05-30. Review status: criteria provided, single submitter. Criteria: Ambry Variant Classification Scheme 2023. Collection method: clinical testing. Allele origin: germline.
Comment: The c.235_236delGA (p.E79Sfs*9) alteration, located in exon 2 (coding exon 2) of the CUL3 gene, consists of a deletion of 2 nucleotides from position 235 to 236, causing a translational frameshift with a predicted alternate stop codon after 9 amino acids. This alteration is expected to result in loss of function by premature protein truncation or nonsense-mediated mRNA decay. for CUL3-related neurodevelopmental disorder; however, its clinical significance for CUL3-related pseudohypoaldosteronism type II is uncertain. This variant was not reported in population-based cohorts in the Genome Aggregation Database (gnomAD). Based on the available evidence, this alteration is classified as pathogenic.

NM_003590.5(CUL3):c.235_236del (p.Glu79fs)

Gene: CUL3 (cullin 3; minus strand). Cytogenetic location: 2q36.2.
Variant type: Microsatellite.
Coding change: c.235_236del on transcript NM_003590.5 (MANE Select); coding-DNA positions 235 to 236, 2 bases deleted (GA; older notation c.235_236delGA).
Protein change: p.Glu79fs; shifts the reading frame from glutamic acid 79.
Molecular consequence: frameshift variant. On other transcripts: intron variant (1).
Genome position (GRCh38, 1-based): chr2:224,557,687-224,557,688, TC deleted on the plus strand (GA on the coding strand, the reverse complement: CUL3 is on the minus strand); deleting any 2 consecutive bases within chr2:224,557,687-224,557,691 gives the same sequence; the c. name uses the placement nearest the transcript's 3' end. VCF-style (leftmost placement, unchanged base first): chr2-224557686-TTC-T. GRCh37 (hg19) VCF-style: chr2-225422403-TTC-T.
Other names: c.253_254del, p.Glu85fs (NM_001257198.2); c.67-22047_67-22046del (NM_001257197.2); short protein forms E85fs, E79fs.
Identifiers: ClinVar variation 4008325 (VCV004008325.1).